The following is an entry in ClinVar:

NM_001042492.3(NF1):c.1642-5T>A

Gene: NF1 (neurofibromin 1; plus strand). Cytogenetic location: 17q11.2.
Variant type: single nucleotide variant.
Coding change: c.1642-5T>A on transcript NM_001042492.3 (MANE Select); 5 bases into the intron before coding-DNA position 1642, T replaced by A.
Molecular consequence: intron variant.
Genome position (GRCh38, 1-based): chr17:31,221,845, T>A. VCF-style: chr17-31221845-T-A. GRCh37 (hg19) VCF-style: chr17-29548863-T-A.
Other names: c.1642-5T>A (NM_000267.4, NM_001128147.3).
Identifiers: ClinVar variation 1777069 (VCV001777069.5), dbSNP rs1248780758, ClinGen allele CA2580092916.

ClinVar aggregate classification (germline): Conflicting classifications of pathogenicity. Review status: criteria provided, conflicting classifications (1 of 4 stars). 2 submissions from 2 submitters: Uncertain significance (1); Likely benign (1). Last evaluated 2024-10-03.

Conditions:
Hereditary cancer-predisposing syndrome. Also called: Tumor predisposition; Neoplastic Syndromes, Hereditary; Hereditary Cancer Syndrome; Hereditary neoplastic syndrome. Identifiers: Orphanet 140162, MedGen C0027672, MeSH D009386, MONDO:0015356.
Cardiovascular phenotype. Identifiers: MedGen CN230736.
Neurofibromatosis, type 1 (NF1). Also called: VON RECKLINGHAUSEN DISEASE; NEUROFIBROMATOSIS, TYPE I, SOMATIC; Peripheral type neurofibromatosis; Neurofibromatosis, type I. Identifiers: Orphanet 636, MedGen C0027831, MONDO:0018975, OMIM 162200. Disease mechanism: loss of function.

Submissions (2):

Labcorp Genetics (formerly Invitae), Labcorp
Classification: Likely benign for Neurofibromatosis, type 1. Last evaluated: 2024-10-03. Review status: criteria provided, single submitter. Criteria: Invitae Variant Classification Sherloc (09022015). Collection method: clinical testing. Allele origin: germline.

Ambry Genetics
Classification: Uncertain significance for Cardiovascular phenotype; Hereditary cancer-predisposing syndrome. Last evaluated: 2022-10-12. Review status: criteria provided, single submitter. Criteria: Ambry Variant Classification Scheme 2023. Collection method: clinical testing. Allele origin: germline.
Comment: The c.1642-5T>A intronic variant results from a T to A substitution 5 nucleotides upstream from coding exon 15 in the NF1 gene. This nucleotide position is well conserved in available vertebrate species. In silico splice site analysis predicts that this alteration will not have any significant effect on splicing. Since supporting evidence is limited at this time, the clinical significance of this alteration remains unclear.